The following is an entry in ClinVar:

NM_003072.5(SMARCA4):c.3092G>A (p.Gly1031Asp)

Gene: SMARCA4 (SWI/SNF related BAF chromatin remodeling complex subunit ATPase 4; plus strand). Cytogenetic location: 19p13.2.
Variant type: single nucleotide variant.
Coding change: c.3092G>A on transcript NM_003072.5 (MANE Select); coding-DNA position 3092, G replaced by A.
Protein change: p.Gly1031Asp; replaces glycine 1031 with aspartic acid.
Molecular consequence: missense variant. On other transcripts: non-coding transcript variant (1).
Genome position (GRCh38, 1-based): chr19:11,025,432, G>A. VCF-style: chr19-11025432-G-A. GRCh37 (hg19) VCF-style: chr19-11136108-G-A.
Other names: c.3092G>A, p.Gly1031Asp (NM_001128844.3, NM_001128845.2, NM_001128846.2 and 6 more transcripts); short protein forms G1031D.
Identifiers: ClinVar variation 3907885 (VCV003907885.1).

ClinVar aggregate classification (germline): Pathogenic (1 of 4 stars; one submission).

Submission:

GeneDx
Classification: Pathogenic. Last evaluated: 2024-12-27. Review status: criteria provided, single submitter. Criteria: GeneDx Variant Classification Process June 2021. Collection method: clinical testing. Allele origin: germline. Affected: yes.
Comment: Not observed at significant frequency in large population cohorts (gnomAD); In silico analysis supports that this missense variant has a deleterious effect on protein structure/function; This variant is associated with the following publications: (PMID: 24658002, 37500730)